The following is an entry in ClinVar:

ClinVar aggregate classification (germline): Uncertain significance (1 of 4 stars; one submission).

Conditions:
Early Myoclonic Encephalopathy. Identifiers: MedGen C0270855.

Allele frequency attached by ClinVar (database versions not stated): TOPMed 0.00001; gnomAD 0.00001.
gnomAD v4.1: 11 of 1,613,710 alleles (0.00068%); highest among the groups gnomAD compares: South Asian, 0.0033%; no homozygotes.

Submission:

Labcorp Genetics (formerly Invitae), Labcorp
Classification: Uncertain significance for Early Myoclonic Encephalopathy. Last evaluated: 2024-10-16. Review status: criteria provided, single submitter. Criteria: Invitae Variant Classification Sherloc (09022015). Collection method: clinical testing. Allele origin: germline.
Comment: This sequence change replaces arginine, which is basic and polar, with glutamine, which is neutral and polar, at codon 532 of the KCND2 protein (p.Arg532Gln). This variant is present in population databases (rs749225363, gnomAD 0.002%). This variant has not been reported in the literature in individuals affected with KCND2-related conditions. ClinVar contains an entry for this variant (Variation ID: 1938377). Invitae Evidence Modeling of protein sequence and biophysical properties (such as structural, functional, and spatial information, amino acid conservation, physicochemical variation, residue mobility, and thermodynamic stability) has been performed for this missense variant. However, the output from this modeling did not meet the statistical confidence thresholds required to predict the impact of this variant on KCND2 protein function. In summary, the available evidence is currently insufficient to determine the role of this variant in disease. Therefore, it has been classified as a Variant of Uncertain Significance.

NM_012281.3(KCND2):c.1595G>A (p.Arg532Gln)

Gene: KCND2 (potassium voltage-gated channel subfamily D member 2; plus strand). Cytogenetic location: 7q31.31.
Variant type: single nucleotide variant.
Coding change: c.1595G>A on transcript NM_012281.3 (MANE Select); coding-DNA position 1595, G replaced by A.
Protein change: p.Arg532Gln; replaces arginine 532 with glutamine.
Molecular consequence: missense variant.
Genome position (GRCh38, 1-based): chr7:120,745,907, G>A. VCF-style: chr7-120745907-G-A. GRCh37 (hg19) VCF-style: chr7-120385961-G-A.
Other names: short protein forms R532Q.
Identifiers: ClinVar variation 1938377 (VCV001938377.5), dbSNP rs749225363, ClinGen allele CA4453719.